The following is an entry in ClinVar:

ClinVar aggregate classification (germline): Conflicting classifications of pathogenicity. Review status: criteria provided, conflicting classifications (1 of 4 stars). 5 submissions from 5 submitters: Uncertain significance (4); Likely benign (1). Last evaluated 2025-11-03.

Conditions:
Inborn genetic diseases. Identifiers: MedGen C0950123, MeSH D030342.

Allele frequency attached by ClinVar (database versions not stated): gnomAD 0.00006 and 0.00007; TOPMed 0.00006; ESP Exome Variant Server 0.00008; ExAC 0.00009; gnomAD exomes 0.00009.
gnomAD v4.1: 97 of 1,613,992 alleles (0.006%); highest among the groups gnomAD compares: South Asian, 0.0088%; no homozygotes.

Submissions (5):

GeneDx
Classification: Uncertain significance. Last evaluated: 2025-11-03. Review status: criteria provided, single submitter. Criteria: GeneDx Variant Classification Process June 2021. Collection method: clinical testing. Allele origin: germline. Affected: yes.
Comment: Has not been previously published as pathogenic or benign to our knowledge; In silico analysis supports that this missense variant has a deleterious effect on protein structure/function

Labcorp Genetics (formerly Invitae), Labcorp
Classification: Likely benign. Last evaluated: 2025-04-07. Review status: criteria provided, single submitter. Criteria: Invitae Variant Classification Sherloc (09022015). Collection method: clinical testing. Allele origin: germline.

Blueprint Genetics
Classification: Uncertain significance. Last evaluated: 2024-11-06. Review status: criteria provided, single submitter. Criteria: ACMG Guidelines, 2015. Collection method: clinical testing. Allele origin: germline.

Ambry Genetics
Classification: Uncertain significance for Inborn genetic diseases. Last evaluated: 2023-03-28. Review status: criteria provided, single submitter. Criteria: Ambry Variant Classification Scheme 2023. Collection method: clinical testing. Allele origin: germline.

Eurofins Ntd Llc (ga)
Classification: Uncertain significance. Last evaluated: 2014-11-10. Review status: criteria provided, single submitter. Criteria: EGL Classification Definitions 2015. Collection method: clinical testing. Allele origin: germline. Observed: 1 variant allele, 1 heterozygote.

NM_001851.6(COL9A1):c.635T>C (p.Ile212Thr)

Gene: COL9A1 (collagen type IX alpha 1 chain; minus strand). Cytogenetic location: 6q13.
Variant type: single nucleotide variant.
Coding change: c.635T>C on transcript NM_001851.6 (MANE Select); coding-DNA position 635, T replaced by C.
Protein change: p.Ile212Thr; replaces isoleucine 212 with threonine.
Molecular consequence: missense variant.
Genome position (GRCh38, 1-based): chr6:70,294,228, A>G on the plus strand (T>C on the coding strand, the complement: COL9A1 is on the minus strand). VCF-style: chr6-70294228-A-G. GRCh37 (hg19) VCF-style: chr6-71003931-A-G.
Other names: c.635T>C, p.Ile212Thr (NM_001377291.1); short protein forms I212T.
Identifiers: ClinVar variation 197733 (VCV000197733.21), dbSNP rs141776183, ClinGen allele CA246048.